The following is an entry in ClinVar:

ClinVar aggregate classification (germline): Benign/Likely benign. Review status: criteria provided, multiple submitters, no conflicts (2 of 4 stars). 9 submissions from 9 submitters: Benign (5); Likely benign (4). Last evaluated 2026-01-26.

Conditions:
Hereditary cancer-predisposing syndrome. Also called: Tumor predisposition; Neoplastic Syndromes, Hereditary; Hereditary Cancer Syndrome; Hereditary neoplastic syndrome. Identifiers: Orphanet 140162, MedGen C0027672, MeSH D009386, MONDO:0015356.
Tuberous sclerosis syndrome (TSC). Also called: Tuberous Sclerosis Complex; Tuberous sclerosis. Identifiers: Orphanet 805, MedGen C0041341, MONDO:0001734.
Tuberous sclerosis 1 (TSC1). Identifiers: Orphanet 805, MedGen C1854465, MONDO:0008612, OMIM 191100.

Allele frequency attached by ClinVar (database versions not stated): gnomAD exomes 0.00004; TOPMed 0.00004; ExAC 0.00005; gnomAD 0.00005; 1000 Genomes Project 30x 0.00016; 1000 Genomes Project 0.00020.
gnomAD v4.1: 129 of 1,614,184 alleles (0.008%); highest among the groups gnomAD compares: Non-Finnish European, 0.0097%; 1 homozygote.

Submissions (9):

Labcorp Genetics (formerly Invitae), Labcorp
Classification: Benign for Tuberous sclerosis 1. Last evaluated: 2026-01-26. Review status: criteria provided, single submitter. Criteria: Invitae Variant Classification Sherloc (09022015). Collection method: clinical testing. Allele origin: germline.

Myriad Genetics, Inc.
Classification: Benign for Tuberous sclerosis 1. Last evaluated: 2025-04-30. Review status: criteria provided, single submitter. Criteria: Myriad Autosomal Dominant, Autosomal Recessive and X-Linked Classification Criteria (2023). Collection method: clinical testing. Allele origin: unknown.
Comment: This variant is considered benign. This variant is a silent/synonymous amino acid change and it is not expected to impact splicing.

Blueprint Genetics
Classification: Likely benign. Last evaluated: 2024-03-25. Review status: criteria provided, single submitter. Criteria: ACMG Guidelines, 2015. Collection method: clinical testing. Allele origin: germline.

CeGaT Center for Human Genetics Tuebingen
Classification: Likely benign. Last evaluated: 2024-01-01. Review status: criteria provided, single submitter. Criteria: CeGaT Center For Human Genetics Tuebingen Variant Classification Criteria Version 2. Collection method: clinical testing. Allele origin: germline. Affected: yes. Observed: 3 variant alleles.
Comment: TSC1: BP4, BP7

Color Diagnostics, LLC DBA Color Health
Classification: Benign for Tuberous sclerosis syndrome. Last evaluated: 2022-09-30. Review status: criteria provided, single submitter. Criteria: ACMG Guidelines, 2015. Collection method: clinical testing. Allele origin: germline.

Genome-Nilou Lab
Classification: Benign for Tuberous sclerosis 1. Last evaluated: 2021-11-07. Review status: criteria provided, single submitter. Criteria: ACMG Guidelines, 2015. Collection method: clinical testing. Allele origin: germline. Affected: no.

Sema4
Classification: Benign for Hereditary cancer-predisposing syndrome. Last evaluated: 2020-09-15. Review status: criteria provided, single submitter. Criteria: Sema4 Curation Guidelines. Collection method: curation. Allele origin: germline.

GeneDx
Classification: Likely benign. Last evaluated: 2018-10-29. Review status: criteria provided, single submitter. Criteria: GeneDx Variant Classification Process June 2021. Collection method: clinical testing. Allele origin: germline. Affected: yes.

Ambry Genetics
Classification: Likely benign for Hereditary cancer-predisposing syndrome. Last evaluated: 2018-08-21. Review status: criteria provided, single submitter. Criteria: Ambry Variant Classification Scheme 2023. Collection method: clinical testing. Allele origin: germline.

NM_000368.5(TSC1):c.3210G>A (p.Ala1070=)

Gene: TSC1 (TSC complex subunit 1; minus strand). Cytogenetic location: 9q34.13.
Variant type: single nucleotide variant.
Coding change: c.3210G>A on transcript NM_000368.5 (MANE Select); coding-DNA position 3210, G replaced by A.
Protein change: p.Ala1070=; no amino-acid change (alanine 1070 retained).
Molecular consequence: synonymous variant.
Genome position (GRCh38, 1-based): chr9:132,896,520, C>T on the plus strand (G>A on the coding strand, the complement: TSC1 is on the minus strand). VCF-style: chr9-132896520-C-T. GRCh37 (hg19) VCF-style: chr9-135771907-C-T.
Other names: c.3207G>A, p.Ala1069= (NM_001162426.2); c.3057G>A, p.Ala1019= (NM_001162427.2); c.2847G>A, p.Ala949= (NM_001362177.2).
Identifiers: ClinVar variation 184208 (VCV000184208.46), dbSNP rs201165286, ClinGen allele CA007235.
Genomic context (GRCh38, chr9:132,896,520, plus strand): 5'-CATACCCAGGAAGCTTTTTGAACTGGGAAGTGAGCCCACAGTGGTGGGGATGCTGGCAGA[C>T]GCTTCTCCCATAGTCGTCTCCCACCGACTGCTGAATGGGCCTGCCCTCTGGTGTGGGGGT-3'
Protein context (NP_000359.1, residues 1060-1080): SSRWETTMGE[Ala1070=]SASIPTTVGS